The following is an entry in ClinVar:

ClinVar aggregate classification (germline): Pathogenic (1 of 4 stars; one submission).

Conditions:
Hereditary nonpolyposis colorectal neoplasms. Identifiers: MedGen C0009405, MeSH D003123.

Submission:

Labcorp Genetics (formerly Invitae), Labcorp
Classification: Pathogenic for Hereditary nonpolyposis colorectal neoplasms. Last evaluated: 2022-07-15. Review status: criteria provided, single submitter. Criteria: Invitae Variant Classification Sherloc (09022015). Collection method: clinical testing. Allele origin: germline.
Comment: This variant is a gross deletion of the genomic region encompassing exon(s) 4-7 of the MSH6 gene. This deletion is out-of-frame, and is expected to create a premature termination codon and result in an absent or disrupted protein product. Loss-of-function variants in MSH6 are known to be pathogenic (PMID: 18269114, 24362816). This variant has not been reported in the literature in individuals affected with MSH6-related conditions. For these reasons, this variant has been classified as Pathogenic.

Literature cited by the submitters: PubMed 18269114; PubMed 24362816.

NC_000002.11:g.(?_48025740)_(48032937_?)del

Gene: MSH6 (mutS homolog 6; plus strand). Cytogenetic location: 2p16.3.
Variant type: Deletion.
Identifiers: ClinVar variation 1074552 (VCV001074552.2).